The following is an entry in ClinVar:

NM_000334.4(SCN4A):c.5294C>A (p.Ala1765Asp)

Genes: GH-LCR (growth hormone locus control region; plus strand), SCN4A (sodium voltage-gated channel alpha subunit 4; minus strand). Cytogenetic location: 17q23.3.
Variant type: single nucleotide variant.
Coding change: c.5294C>A on transcript NM_000334.4 (MANE Select); coding-DNA position 5294, C replaced by A.
Protein change: p.Ala1765Asp; replaces alanine 1765 with aspartic acid.
Molecular consequence: missense variant.
Genome position (GRCh38, 1-based): chr17:63,940,988, G>T on the plus strand (C>A on the coding strand, the complement: SCN4A is on the minus strand). VCF-style: chr17-63940988-G-T. GRCh37 (hg19) VCF-style: chr17-62018348-G-T.
Other names: short protein forms A1765D.
Identifiers: ClinVar variation 3002444 (VCV003002444.3), dbSNP rs748434431, ClinGen allele CA8708787.

ClinVar aggregate classification (germline): Uncertain significance (1 of 4 stars; one submission).

Conditions:
Hyperkalemic periodic paralysis. Also called: Familial hyperkalemic periodic paralysis; Gamstorp disease. Identifiers: Orphanet 682, MedGen C0238357, MONDO:0008224, OMIM 170500, HP:0007215.

Allele frequency attached by ClinVar (database versions not stated): ExAC 0.00001.
gnomAD v4.1: 2 of 1,613,222 alleles (0.00012%); highest among the groups gnomAD compares: Non-Finnish European, 0.00017%; no homozygotes.

Submission:

Labcorp Genetics (formerly Invitae), Labcorp
Classification: Uncertain significance for Hyperkalemic periodic paralysis. Last evaluated: 2026-02-01. Review status: criteria provided, single submitter. Criteria: Invitae Variant Classification Sherloc (09022015). Collection method: clinical testing. Allele origin: germline.
Comment: This sequence change replaces alanine, which is neutral and non-polar, with aspartic acid, which is acidic and polar, at codon 1765 of the SCN4A protein (p.Ala1765Asp). This variant is present in population databases (rs748434431, gnomAD 0.0009%). This variant has not been reported in the literature in individuals affected with SCN4A-related conditions. ClinVar contains an entry for this variant (Variation ID: 3002444). Invitae Evidence Modeling of protein sequence and biophysical properties (such as structural, functional, and spatial information, amino acid conservation, physicochemical variation, residue mobility, and thermodynamic stability) indicates that this missense variant is not expected to disrupt SCN4A protein function with a negative predictive value of 95%. In summary, the available evidence is currently insufficient to determine the role of this variant in disease. Therefore, it has been classified as a Variant of Uncertain Significance.